The following is an entry in ClinVar:

ClinVar aggregate classification (germline): Uncertain significance (1 of 4 stars; one submission).

Conditions:
Atypical hemolytic-uremic syndrome. Identifiers: Orphanet 2134, MedGen C2931788, MONDO:0016244.
Basal laminar drusen. Also called: DRUSEN OF BRUCH MEMBRANE; DRUSEN, CUTICULAR; DRUSEN, EARLY ADULT-ONSET, GROUPED. Identifiers: Orphanet 75376, MedGen C0730295, MONDO:0007472, OMIM 126700.
Factor H deficiency (CFHD). Also called: COMPLEMENT FACTOR H DEFICIENCY; CFH DEFICIENCY. Identifiers: Orphanet 200421, MedGen C0398777, MONDO:0012350, OMIM 609814.
Age related macular degeneration 4. Identifiers: MedGen C1853147, MONDO:0012540, OMIM 610698.

Submission:

Genomenon, Inc
Classification: Uncertain significance for Basal laminar drusen; Age related macular degeneration 4; Atypical hemolytic-uremic syndrome; Factor H deficiency. Last evaluated: 2025-10-02. Review status: criteria provided, single submitter. Criteria: Genomenon Sequence Variant Interpretation Standards - Updated. Collection method: curation. Allele origin: germline. Affected: no.
Comment: CFH p.Ser1211Pro (c.3631T>C) is a missense variant that changes the amino acid at residue 1211 from Serine to Proline. This variant has been reported in the published literature (PMID:17089378;25188723). It is absent or not present at a significant frequency in gnomAD. In silico models agree that this variant is not damaging. In conclusion, we classify CFH p.Ser1211Pro (c.3631T>C) as a variant of uncertain significance.

Literature cited by the submitters: PubMed 17089378; PubMed 25188723.

NM_000186.4(CFH):c.3631T>C (p.Ser1211Pro)

Gene: CFH (complement factor H; plus strand). Cytogenetic location: 1q31.3.
Variant type: single nucleotide variant.
Coding change: c.3631T>C on transcript NM_000186.4 (MANE Select); coding-DNA position 3631, T replaced by C.
Protein change: p.Ser1211Pro; replaces serine 1211 with proline.
Molecular consequence: missense variant.
Genome position (GRCh38, 1-based): chr1:196,747,248, T>C. VCF-style: chr1-196747248-T-C. GRCh37 (hg19) VCF-style: chr1-196716378-T-C.
Other names: short protein forms S1211P.
Identifiers: ClinVar variation 4291635 (VCV004291635.1).